The following is an entry in ClinVar:

ClinVar aggregate classification (germline): Uncertain significance (1 of 4 stars; one submission).

Conditions:
Neuronal ceroid lipofuscinosis. Also called: Neuronal Ceroid Lipofuscinoses. Identifiers: Orphanet 216, Orphanet 79263, MedGen C0027877, MONDO:0016295. Disease mechanism: loss of function.

Submission:

Labcorp Genetics (formerly Invitae), Labcorp
Classification: Uncertain significance for Neuronal ceroid lipofuscinosis. Last evaluated: 2021-08-27. Review status: criteria provided, single submitter. Criteria: Invitae Variant Classification Sherloc (09022015). Collection method: clinical testing. Allele origin: germline.
Comment: This sequence change replaces methionine with valine at codon 191 of the CLN6 protein (p.Met191Val). The methionine residue is moderately conserved and there is a small physicochemical difference between methionine and valine. This variant is not present in population databases (ExAC no frequency). This variant has not been reported in the literature in individuals affected with CLN6-related conditions. Algorithms developed to predict the effect of missense changes on protein structure and function (SIFT, PolyPhen-2, Align-GVGD) all suggest that this variant is likely to be tolerated. In summary, the available evidence is currently insufficient to determine the role of this variant in disease. Therefore, it has been classified as a Variant of Uncertain Significance.

NM_017882.3(CLN6):c.571A>G (p.Met191Val)

Gene: CLN6 (CLN6 transmembrane ER protein; minus strand). Cytogenetic location: 15q23.
Variant type: single nucleotide variant.
Coding change: c.571A>G on transcript NM_017882.3 (MANE Select); coding-DNA position 571, A replaced by G.
Protein change: p.Met191Val; replaces methionine 191 with valine.
Molecular consequence: missense variant.
Genome position (GRCh38, 1-based): chr15:68,209,731, T>C on the plus strand (A>G on the coding strand, the complement: CLN6 is on the minus strand). VCF-style: chr15-68209731-T-C. GRCh37 (hg19) VCF-style: chr15-68502069-T-C.
Other names: short protein forms M191V.
Identifiers: ClinVar variation 457974 (VCV000457974.8), dbSNP rs1555438435, ClinGen allele CA392972992.